The following is an entry in ClinVar:

NM_058246.4(DNAJB6):c.285C>G (p.Asn95Lys)

Gene: DNAJB6 (DnaJ heat shock protein family (Hsp40) member B6; plus strand). Cytogenetic location: 7q36.3.
Variant type: single nucleotide variant.
Coding change: c.285C>G on transcript NM_058246.4 (MANE Select); coding-DNA position 285, C replaced by G.
Protein change: p.Asn95Lys; replaces asparagine 95 with lysine.
Molecular consequence: missense variant.
Genome position (GRCh38, 1-based): chr7:157,367,422, C>G. VCF-style: chr7-157367422-C-G. GRCh37 (hg19) VCF-style: chr7-157160116-C-G.
Other names: c.285C>G, p.Asn95Lys (NM_001363676.1, NM_005494.3); short protein forms N95K.
Identifiers: ClinVar variation 3002363 (VCV003002363.3), dbSNP rs1799898488, ClinGen allele CA370166133.

ClinVar aggregate classification (germline): Uncertain significance (1 of 4 stars; one submission).

Conditions:
Autosomal dominant limb-girdle muscular dystrophy type 1D (DNAJB6) (LGMDD1). Also called: Autosomal dominant limb-girdle muscular dystrophy type 1D; Muscular dystrophy, limb-girdle, autosomal dominant 1; MUSCULAR DYSTROPHY, AUTOSOMAL DOMINANT, WITH RIMMED VACUOLES; MUSCULAR DYSTROPHY, LIMB-GIRDLE, TYPE 1D. Identifiers: Orphanet 34516, MedGen C4721885, MONDO:0021018, OMIM 603511.

Submission:

Labcorp Genetics (formerly Invitae), Labcorp
Classification: Uncertain significance for Autosomal dominant limb-girdle muscular dystrophy type 1D (DNAJB6). Last evaluated: 2023-09-15. Review status: criteria provided, single submitter. Criteria: Invitae Variant Classification Sherloc (09022015). Collection method: clinical testing. Allele origin: germline.
Comment: This sequence change replaces asparagine, which is neutral and polar, with lysine, which is basic and polar, at codon 95 of the DNAJB6 protein (p.Asn95Lys). This variant is not present in population databases (gnomAD no frequency). This variant has not been reported in the literature in individuals affected with DNAJB6-related conditions. Advanced modeling of protein sequence and biophysical properties (such as structural, functional, and spatial information, amino acid conservation, physicochemical variation, residue mobility, and thermodynamic stability) performed at Invitae indicates that this missense variant is not expected to disrupt DNAJB6 protein function. In summary, the available evidence is currently insufficient to determine the role of this variant in disease. Therefore, it has been classified as a Variant of Uncertain Significance.